The following is an entry in ClinVar:

ClinVar aggregate classification (germline): Conflicting classifications of pathogenicity. Review status: criteria provided, conflicting classifications (1 of 4 stars). 2 submissions from 2 submitters: Uncertain significance (1); Likely benign (1). Last evaluated 2023-03-23.

Conditions:
Hereditary cancer-predisposing syndrome. Also called: Hereditary neoplastic syndrome; Neoplastic Syndromes, Hereditary; Tumor predisposition; Hereditary Cancer Syndrome. Identifiers: Orphanet 140162, MedGen C0027672, MeSH D009386, MONDO:0015356.
Hereditary breast ovarian cancer syndrome. Also called: BRCA1- and BRCA2-Associated Hereditary Breast and Ovarian Cancer; Hereditary breast and ovarian cancer; Hereditary breast and/or ovarian cancer syndrome; Hereditary breast and ovarian cancer syndrome (HBOC); Breast and ovarian cancer; Hereditary breast and ovarian cancer syndrome. Identifiers: Orphanet 145, MedGen C0677776, MeSH D061325, MONDO:0003582. Disease mechanism: loss of function.

Submissions (2):

University of Washington Department of Laboratory Medicine, University of Washington
Classification: Likely benign for Hereditary cancer-predisposing syndrome. Last evaluated: 2023-03-23. Review status: criteria provided, single submitter. Criteria: Dines et al. (Genet Med. 2020). Collection method: curation. Allele origin: germline.
Comment: Missense variant in a coldspot region where missense variants are very unlikely to be pathogenic (PMID:31911673).

BRCA1 coldspot (exon 11 using historical exon numbering). Reclassification based on statistical prior probability

Labcorp Genetics (formerly Invitae), Labcorp
Classification: Uncertain significance for Hereditary breast ovarian cancer syndrome. Last evaluated: 2021-08-12. Review status: criteria provided, single submitter. Criteria: Invitae Variant Classification Sherloc (09022015). Collection method: clinical testing. Allele origin: germline.
Comment: This sequence change replaces isoleucine with phenylalanine at codon 1058 of the BRCA1 protein (p.Ile1058Phe). The isoleucine residue is weakly conserved and there is a small physicochemical difference between isoleucine and phenylalanine. This variant is not present in population databases (ExAC no frequency). This missense change has been observed in individual(s) with personal or family history of breast and/or ovarian cancer (PMID: 24156927). Advanced modeling of protein sequence and biophysical properties (such as structural, functional, and spatial information, amino acid conservation, physicochemical variation, residue mobility, and thermodynamic stability) performed at Invitae indicates that this missense variant is not expected to disrupt BRCA1 protein function. In summary, the available evidence is currently insufficient to determine the role of this variant in disease. Therefore, it has been classified as a Variant of Uncertain Significance.

Literature cited by the submitters: PubMed 24156927 (cited by Labcorp Genetics (formerly Invitae), Labcorp).

NM_007294.4(BRCA1):c.3172A>T (p.Ile1058Phe)

Gene: BRCA1 (BRCA1 DNA repair associated; minus strand). Cytogenetic location: 17q21.31.
Variant type: single nucleotide variant.
Coding change: c.3172A>T on transcript NM_007294.4 (MANE Select); coding-DNA position 3172, A replaced by T.
Protein change: p.Ile1058Phe; replaces isoleucine 1058 with phenylalanine.
Molecular consequence: missense variant. On other transcripts: intron variant (137).
Genome position (GRCh38, 1-based): chr17:43,092,359, T>A on the plus strand (A>T on the coding strand, the complement: BRCA1 is on the minus strand). VCF-style: chr17-43092359-T-A. GRCh37 (hg19) VCF-style: chr17-41244376-T-A.
Other names: c.3049A>T, p.Ile1017Phe (NM_001407937.1, NM_001407938.1, NM_001407939.1 and 19 more transcripts); c.3046A>T, p.Ile1016Phe (NM_001407940.1, NM_001407941.1, NM_001407649.1 and 11 more transcripts); c.2839A>T, p.Ile947Phe (NM_001407951.1, NM_001407952.1, NM_001407953.1 and 6 more transcripts); c.2836A>T, p.Ile946Phe (NM_001407954.1, NM_001407955.1, NM_001407956.1 and 1 more transcripts); c.2791A>T, p.Ile931Phe (NM_001407959.1, NM_001407960.1, NM_001407963.1); c.2959A>T, p.Ile987Phe (NM_001407571.1, NM_001407853.1, NM_001407897.1 and 9 more transcripts); c.3172A>T, p.Ile1058Phe (NM_001407581.1, NM_001407582.1, NM_001407583.1 and 30 more transcripts); c.3169A>T, p.Ile1057Phe (NM_001407587.1, NM_001407590.1, NM_001407591.1 and 22 more transcripts); and 41 more; short protein forms I1058F, I1011F, I890F, I930F, I947F, I990F, I1016F, I1055F.
Identifiers: ClinVar variation 1512423 (VCV001512423.9), dbSNP rs1064795478, ClinGen allele CA10595643.